The following is an entry in ClinVar:

ClinVar aggregate classification (germline): Uncertain significance (1 of 4 stars; one submission).

Conditions:
Neurofibromatosis, type 1 (NF1). Also called: NEUROFIBROMATOSIS, TYPE I, SOMATIC; VON RECKLINGHAUSEN DISEASE; Neurofibromatosis, type I; Peripheral type neurofibromatosis. Identifiers: Orphanet 636, MedGen C0027831, MONDO:0018975, OMIM 162200. Disease mechanism: loss of function.

Submission:

Labcorp Genetics (formerly Invitae), Labcorp
Classification: Uncertain significance for Neurofibromatosis, type 1. Last evaluated: 2025-04-30. Review status: criteria provided, single submitter. Criteria: Invitae Variant Classification Sherloc (09022015). Collection method: clinical testing. Allele origin: germline.
Comment: This sequence change replaces leucine, which is neutral and non-polar, with proline, which is neutral and non-polar, at codon 1173 of the NF1 protein (p.Leu1173Pro). This variant is not present in population databases (gnomAD no frequency). This variant has not been reported in the literature in individuals affected with NF1-related conditions. ClinVar contains an entry for this variant (Variation ID: 1356104). Invitae Evidence Modeling of protein sequence and biophysical properties (such as structural, functional, and spatial information, amino acid conservation, physicochemical variation, residue mobility, and thermodynamic stability) has been performed for this missense variant. However, the output from this modeling did not meet the statistical confidence thresholds required to predict the impact of this variant on NF1 protein function. In summary, the available evidence is currently insufficient to determine the role of this variant in disease. Therefore, it has been classified as a Variant of Uncertain Significance.

NM_001042492.3(NF1):c.3518T>C (p.Leu1173Pro)

Gene: NF1 (neurofibromin 1; plus strand). Cytogenetic location: 17q11.2.
Variant type: single nucleotide variant.
Coding change: c.3518T>C on transcript NM_001042492.3 (MANE Select); coding-DNA position 3518, T replaced by C.
Protein change: p.Leu1173Pro; replaces leucine 1173 with proline.
Molecular consequence: missense variant.
Genome position (GRCh38, 1-based): chr17:31,233,023, T>C. VCF-style: chr17-31233023-T-C. GRCh37 (hg19) VCF-style: chr17-29560041-T-C.
Other names: c.3518T>C, p.Leu1173Pro (NM_000267.4); short protein forms L1173P.
Identifiers: ClinVar variation 1356104 (VCV001356104.8), dbSNP rs2151435305, ClinGen allele CA398989749.